The following is an entry in ClinVar:

NM_004525.3(LRP2):c.8276G>A (p.Arg2759His)

Gene: LRP2 (LDL receptor related protein 2; minus strand). Cytogenetic location: 2q31.1.
Variant type: single nucleotide variant.
Coding change: c.8276G>A on transcript NM_004525.3 (MANE Select); coding-DNA position 8276, G replaced by A.
Protein change: p.Arg2759His; replaces arginine 2759 with histidine.
Molecular consequence: missense variant.
Genome position (GRCh38, 1-based): chr2:169,201,804, C>T on the plus strand (G>A on the coding strand, the complement: LRP2 is on the minus strand). VCF-style: chr2-169201804-C-T. GRCh37 (hg19) VCF-style: chr2-170058314-C-T.
Other names: short protein forms R2759H.
Identifiers: ClinVar variation 332127 (VCV000332127.8), dbSNP rs754025614, ClinGen allele CA1953895.
Genomic context (GRCh38, chr2:169,201,804, plus strand): 5'-TCCCTGAACAGGCACCCTGCCTCATCACTGCCATCACCACAGTCATTGTAGTAATCACAG[C>T]GGTAAGAGTATTGGACACATCGCCCATTGGCACAGGTGAAGGCTGTCGGTGAGCAGGTGT-3'
Protein context (NP_004516.2, residues 2749-2769): ANGRCVQYSY[Arg2759His]CDYYNDCGDG

ClinVar aggregate classification (germline): Uncertain significance. Review status: criteria provided, multiple submitters, no conflicts (2 of 4 stars). 4 submissions from 4 submitters: Uncertain significance (4). Last evaluated 2024-07-08.

Conditions:
Donnai-Barrow syndrome. Also called: DBS/FOAR SYNDROME; FACIOOCULOACOUSTICORENAL SYNDROME. Identifiers: Orphanet 2143, MedGen C1857277, MONDO:0009104, OMIM 222448.

Allele frequency attached by ClinVar (database versions not stated): ExAC 0.00001; gnomAD 0.00001; gnomAD exomes 0.00001; TOPMed 0.00001.
gnomAD v4.1: 9 of 1,614,026 alleles (0.00056%); highest among the groups gnomAD compares: East Asian, 0.0022%; no homozygotes.

Submissions (4):

Blueprint Genetics
Classification: Uncertain significance. Last evaluated: 2024-07-08. Review status: criteria provided, single submitter. Criteria: ACMG Guidelines, 2015. Collection method: clinical testing. Allele origin: germline.

Fulgent Genetics
Classification: Uncertain significance for Donnai-Barrow syndrome. Last evaluated: 2024-03-28. Review status: criteria provided, single submitter. Criteria: ACMG Guidelines, 2015. Collection method: clinical testing. Allele origin: germline.

Labcorp Genetics (formerly Invitae), Labcorp
Classification: Uncertain significance. Last evaluated: 2022-08-08. Review status: criteria provided, single submitter. Criteria: Invitae Variant Classification Sherloc (09022015). Collection method: clinical testing. Allele origin: germline.
Comment: This sequence change replaces arginine, which is basic and polar, with histidine, which is basic and polar, at codon 2759 of the LRP2 protein (p.Arg2759His). This variant is present in population databases (rs754025614, gnomAD 0.002%). This variant has not been reported in the literature in individuals affected with LRP2-related conditions. ClinVar contains an entry for this variant (Variation ID: 332127). Advanced modeling of protein sequence and biophysical properties (such as structural, functional, and spatial information, amino acid conservation, physicochemical variation, residue mobility, and thermodynamic stability) performed at Invitae indicates that this missense variant is not expected to disrupt LRP2 protein function. In summary, the available evidence is currently insufficient to determine the role of this variant in disease. Therefore, it has been classified as a Variant of Uncertain Significance.

Illumina Laboratory Services, Illumina
Classification: Uncertain significance for Donnai-Barrow syndrome. Last evaluated: 2018-01-12. Review status: criteria provided, single submitter. Criteria: ICSL Variant Classification Criteria 13 December 2019. Collection method: clinical testing. Allele origin: germline.